The following is an entry in ClinVar:

ClinVar aggregate classification (germline): Uncertain significance (1 of 4 stars; one submission).

Submission:

Labcorp Genetics (formerly Invitae), Labcorp
Classification: Uncertain significance. Last evaluated: 2024-11-05. Review status: criteria provided, single submitter. Criteria: Invitae Variant Classification Sherloc (09022015). Collection method: clinical testing. Allele origin: germline.
Comment: This sequence change replaces phenylalanine, which is neutral and non-polar, with leucine, which is neutral and non-polar, at codon 1084 of the PCARE protein (p.Phe1084Leu). This variant is not present in population databases (gnomAD no frequency). This variant has not been reported in the literature in individuals affected with PCARE-related conditions. ClinVar contains an entry for this variant (Variation ID: 1959761). An algorithm developed to predict the effect of missense changes on protein structure and function (PolyPhen-2) suggests that this variant is likely to be tolerated. In summary, the available evidence is currently insufficient to determine the role of this variant in disease. Therefore, it has been classified as a Variant of Uncertain Significance.

NM_001029883.3(PCARE):c.3250T>C (p.Phe1084Leu)

Gene: PCARE (photoreceptor cilium actin regulator; minus strand). Cytogenetic location: 2p23.2.
Variant type: single nucleotide variant.
Coding change: c.3250T>C on transcript NM_001029883.3 (MANE Select); coding-DNA position 3250, T replaced by C.
Protein change: p.Phe1084Leu; replaces phenylalanine 1084 with leucine.
Molecular consequence: missense variant.
Genome position (GRCh38, 1-based): chr2:29,071,012, A>G on the plus strand (T>C on the coding strand, the complement: PCARE is on the minus strand). VCF-style: chr2-29071012-A-G. GRCh37 (hg19) VCF-style: chr2-29293878-A-G.
Other names: short protein forms F1084L.
Identifiers: ClinVar variation 1959761 (VCV001959761.5), dbSNP rs1274129161, ClinGen allele CA346475506.